The following is an entry in ClinVar:

ClinVar aggregate classification (germline): Likely benign. Review status: criteria provided, single submitter (1 of 4 stars). 2 submissions from 2 submitters: Likely benign (1). 1 of the submissions does not count toward it. Last evaluated 2017-09-22.

Conditions:
Inborn genetic diseases. Identifiers: MedGen C0950123, MeSH D030342.
CUL4B-related disorder. Also called: CUL4B-related condition.

Allele frequency attached by ClinVar (database versions not stated): gnomAD 0.00002; gnomAD exomes 0.00002; ExAC 0.00003; TOPMed 0.00005; ESP Exome Variant Server 0.00009.
gnomAD v4.1: 26 of 1,198,112 alleles (0.0022%); highest among the groups gnomAD compares: Non-Finnish European, 0.0028%; no homozygotes.

Submissions (2):

Ambry Genetics
Classification: Likely benign for Inborn genetic diseases. Last evaluated: 2017-09-22. Review status: criteria provided, single submitter. Criteria: Ambry Variant Classification Scheme 2023. Collection method: clinical testing. Allele origin: germline.

PreventionGenetics, part of Exact Sciences
Classification: Likely benign for CUL4B-related condition. Last evaluated: 2024-09-26. Review status: no assertion criteria provided. Collection method: clinical testing. Allele origin: germline. Not counted in ClinVar's aggregate classification.
Comment: This variant is classified as likely benign based on ACMG/AMP sequence variant interpretation guidelines (Richards et al. 2015 PMID: 25741868, with internal and published modifications).

NM_001079872.2(CUL4B):c.1545C>T (p.Cys515=)

Gene: CUL4B (cullin 4B; minus strand). Cytogenetic location: Xq24.
Variant type: single nucleotide variant.
Coding change: c.1545C>T on transcript NM_001079872.2 (MANE Select); coding-DNA position 1545, C replaced by T.
Protein change: p.Cys515=; no amino-acid change (cysteine 515 retained).
Molecular consequence: synonymous variant.
Genome position (GRCh38, 1-based): chrX:120,540,461, G>A on the plus strand (C>T on the coding strand, the complement: CUL4B is on the minus strand). VCF-style: chrX-120540461-G-A. GRCh37 (hg19) VCF-style: chrX-119674316-G-A.
Other names: c.1560C>T, p.Cys520= (NM_001330624.2); c.1011C>T, p.Cys337= (NM_001369145.1); c.1599C>T, p.Cys533= (NM_003588.4).
Identifiers: ClinVar variation 1776057 (VCV001776057.3), dbSNP rs369210448, ClinGen allele CA10505526.